The following is an entry in ClinVar:

NM_000037.4(ANK1):c.2593del (p.Ala865fs)

Gene: ANK1 (ankyrin 1; minus strand). Cytogenetic location: 8p11.21.
Variant type: Deletion.
Coding change: c.2593del on transcript NM_000037.4 (MANE Select); coding-DNA position 2593, one base deleted (G; older notation c.2593delG).
Protein change: p.Ala865fs; shifts the reading frame from alanine 865.
Molecular consequence: frameshift variant.
Genome position (GRCh38, 1-based): chr8:41,698,087, C deleted on the plus strand (G on the coding strand, the reverse complement: ANK1 is on the minus strand). VCF-style (leftmost placement, unchanged base first): chr8-41698086-GC-G. GRCh37 (hg19) VCF-style: chr8-41555604-GC-G.
Other names: c.2716del, p.Ala906fs (NM_001142446.2); c.2593del, p.Ala865fs (NM_020475.3, NM_020476.3, NM_020477.3); short protein forms A865fs, A906fs.
Identifiers: ClinVar variation 4855281 (VCV004855281.1).

ClinVar aggregate classification (germline): Likely pathogenic (1 of 4 stars; one submission).

Conditions:
Hereditary spherocytosis type 1. Also called: Spherocytosis type 1; ANK1-Related Spherocytosis. Identifiers: Orphanet 822, MedGen C2674218, MONDO:0008447, OMIM 182900.

Submission:

3billion
Classification: Likely pathogenic for Hereditary spherocytosis type 1. Last evaluated: 2025-08-05. Review status: criteria provided, single submitter. Criteria: ACMG Guidelines, 2015. Collection method: clinical testing. Allele origin: germline. Affected: yes.
Comment: The variant is not observed in the gnomAD v4.1.0 dataset. Predicted Consequence/Location: Frameshift: predicted to result in a loss or disruption of normal protein function through nonsense-mediated decay (NMD) or protein truncation. Multiple pathogenic variants are reported downstream of the variant. Therefore, this variant is classified as Likely pathogenic according to the recommendation of ACMG/AMP guideline.